The following is an entry in ClinVar:

NM_207122.2(EXT2):c.929A>T (p.Gln310Leu)

Gene: EXT2 (exostosin glycosyltransferase 2; plus strand). Cytogenetic location: 11p11.2.
Variant type: single nucleotide variant.
Coding change: c.929A>T on transcript NM_207122.2 (MANE Select); coding-DNA position 929, A replaced by T.
Protein change: p.Gln310Leu; replaces glutamine 310 with leucine.
Molecular consequence: missense variant.
Genome position (GRCh38, 1-based): chr11:44,124,974, A>T. VCF-style: chr11-44124974-A-T. GRCh37 (hg19) VCF-style: chr11-44146524-A-T.
Other names: c.1028A>T, p.Gln343Leu (NM_000401.3); c.929A>T, p.Gln310Leu (NM_001178083.3, NM_001389628.1, NM_001389630.1); short protein forms Q343L, Q310L.
Identifiers: ClinVar variation 1980354 (VCV001980354.5), dbSNP rs752255309, ClinGen allele CA5955032.
Genomic context (GRCh38, chr11:44,124,974, plus strand): 5'-CAGAGGGTGTCCTTTCTGTCCGTAAGCGCTGCCACAAGCACCAGGTCTTCGATTACCCAC[A>T]GGTGCTACAGGTGAGTGTCATTCATTACCTCTCGCAAAGGCTCAGGAGAGTTTGCTTACA-3'
Protein context (NP_997005.1, residues 300-320): CHKHQVFDYP[Gln310Leu]VLQEATFCVV

ClinVar aggregate classification (germline): Uncertain significance. Review status: criteria provided, multiple submitters, no conflicts (2 of 4 stars). 2 submissions from 2 submitters: Uncertain significance (2). Last evaluated 2024-01-22.

Conditions:
Exostoses, multiple, type 2 (EXT2). Also called: Hereditary Multiple Osteochondromatosis, Type II; EXOSTOSES, MULTIPLE, TYPE II. Identifiers: Orphanet 321, MedGen C1851413, MONDO:0007586, OMIM 133701.

Allele frequency attached by ClinVar (database versions not stated): ExAC 0.00001; gnomAD exomes 0.00002.
gnomAD v4.1: 25 of 1,612,680 alleles (0.0016%); highest among the groups gnomAD compares: South Asian, 0.024%; no homozygotes.

Submissions (2):

Baylor Genetics
Classification: Uncertain significance for Exostoses, multiple, type 2. Last evaluated: 2024-01-22. Review status: criteria provided, single submitter. Criteria: ACMG Guidelines, 2015. Collection method: clinical testing. Allele origin: unknown.

Labcorp Genetics (formerly Invitae), Labcorp
Classification: Uncertain significance for Exostoses, multiple, type 2. Last evaluated: 2022-09-02. Review status: criteria provided, single submitter. Criteria: Invitae Variant Classification Sherloc (09022015). Collection method: clinical testing. Allele origin: germline.
Comment: This variant is present in population databases (rs752255309, gnomAD 0.006%). This sequence change replaces glutamine, which is neutral and polar, with leucine, which is neutral and non-polar, at codon 310 of the EXT2 protein (p.Gln310Leu). This variant has not been reported in the literature in individuals affected with EXT2-related conditions. Algorithms developed to predict the effect of missense changes on protein structure and function are either unavailable or do not agree on the potential impact of this missense change (SIFT: "Deleterious"; PolyPhen-2: "Benign"; Align-GVGD: "Class C0"). In summary, the available evidence is currently insufficient to determine the role of this variant in disease. Therefore, it has been classified as a Variant of Uncertain Significance.